The following is an entry in ClinVar:

ClinVar aggregate classification (germline): Benign/Likely benign. Review status: criteria provided, multiple submitters, no conflicts (2 of 4 stars). 5 submissions from 5 submitters: Benign (1); Likely benign (4). Last evaluated 2026-06-01.

Conditions:
CDAN1-related disorder. Also called: CDAN1-related condition.
Anemia, congenital dyserythropoietic, type 1a (CDAN1A). Also called: CDAN1-Related Congenital Dyserythropoietic Anemia; DYSERYTHROPOIETIC ANEMIA, CONGENITAL, TYPE Ia. Identifiers: MedGen C5574667, MONDO:0009135, OMIM 224120.

Allele frequency attached by ClinVar (database versions not stated): 1000 Genomes Project 30x 0.00094; 1000 Genomes Project 0.00100.
gnomAD v4.1: 276 of 1,614,076 alleles (0.017%); highest among the groups gnomAD compares: Admixed American, 0.27%; 1 homozygote.

Submissions (5):

CeGaT Center for Human Genetics Tuebingen
Classification: Likely benign. Last evaluated: 2026-06-01. Review status: criteria provided, single submitter. Criteria: CeGaT Center For Human Genetics Tuebingen Variant Classification Criteria Version 2. Collection method: clinical testing. Allele origin: germline. Affected: yes. Observed: 1 variant allele.
Comment: CDAN1: BP4, BP7

Labcorp Genetics (formerly Invitae), Labcorp
Classification: Benign. Last evaluated: 2025-12-29. Review status: criteria provided, single submitter. Criteria: Invitae Variant Classification Sherloc (09022015). Collection method: clinical testing. Allele origin: germline.

PreventionGenetics, part of Exact Sciences
Classification: Likely benign for CDAN1-related condition. Last evaluated: 2025-10-02. Review status: criteria provided, single submitter. Criteria: ACMG Guidelines, 2015. Collection method: clinical testing. Allele origin: germline.
Comment: This variant is classified as likely benign based on ACMG/AMP sequence variant interpretation guidelines (Richards et al. 2015 PMID: 25741868, with internal and published modifications).

Blueprint Genetics
Classification: Likely benign. Last evaluated: 2024-06-06. Review status: criteria provided, single submitter. Criteria: ACMG Guidelines, 2015. Collection method: clinical testing. Allele origin: germline.

ARUP Laboratories, Molecular Genetics and Genomics, ARUP Laboratories
Classification: Likely benign for Anemia, congenital dyserythropoietic, type 1a. Last evaluated: 2023-10-17. Review status: criteria provided, single submitter. Criteria: ARUP Molecular Germline Variant Investigation Process 2024. Collection method: clinical testing. Allele origin: germline.

NM_138477.4(CDAN1):c.804C>A (p.Pro268=)

Gene: CDAN1 (codanin 1; minus strand). Cytogenetic location: 15q15.2.
Variant type: single nucleotide variant.
Coding change: c.804C>A on transcript NM_138477.4 (MANE Select); coding-DNA position 804, C replaced by A.
Protein change: p.Pro268=; no amino-acid change (proline 268 retained).
Molecular consequence: synonymous variant.
Genome position (GRCh38, 1-based): chr15:42,735,649, G>T on the plus strand (C>A on the coding strand, the complement: CDAN1 is on the minus strand). VCF-style: chr15-42735649-G-T. GRCh37 (hg19) VCF-style: chr15-43027847-G-T.
Other names: c.804C>A (NM_138477.2).
Identifiers: ClinVar variation 2054884 (VCV002054884.9), dbSNP rs191624595, ClinGen allele CA7516264.